The following is an entry in ClinVar:

ClinVar aggregate classification (germline): Uncertain significance (1 of 4 stars; one submission).

Conditions:
Type A2 brachydactyly (BDA2). Also called: BRACHYMESOPHALANGY II; MOHR-WRIEDT TYPE BRACHYDACTYLY; Brachymesophalangy type 2. Identifiers: Orphanet 93396, MedGen C1832702, MONDO:0007216, OMIM 112600, HP:0009372.
Acromesomelic dysplasia 3 (AMD3). Also called: CHONDRODYSPLASIA, ACROMESOMELIC, WITH OR WITHOUT GENITAL ANOMALIES; Acromesomelic dysplasia, Demirhan type. Identifiers: MedGen C4225404, MONDO:0012274, OMIM 609441.

gnomAD v4.1: 5 of 1,613,986 alleles (0.00031%); highest among the groups gnomAD compares: Non-Finnish European, 0.00034%; no homozygotes.

Submission:

Labcorp Genetics (formerly Invitae), Labcorp
Classification: Uncertain significance for Type A2 brachydactyly; Acromesomelic dysplasia 3. Last evaluated: 2022-11-19. Review status: criteria provided, single submitter. Criteria: Invitae Variant Classification Sherloc (09022015). Collection method: clinical testing. Allele origin: germline.
Comment: In summary, the available evidence is currently insufficient to determine the role of this variant in disease. Therefore, it has been classified as a Variant of Uncertain Significance. Advanced modeling of protein sequence and biophysical properties (such as structural, functional, and spatial information, amino acid conservation, physicochemical variation, residue mobility, and thermodynamic stability) performed at Invitae indicates that this missense variant is not expected to disrupt BMPR1B protein function. This variant has not been reported in the literature in individuals affected with BMPR1B-related conditions. This variant is present in population databases (no rsID available, gnomAD 0.004%). This sequence change replaces phenylalanine, which is neutral and non-polar, with tyrosine, which is neutral and polar, at codon 242 of the BMPR1B protein (p.Phe242Tyr).

NM_001203.3(BMPR1B):c.725T>A (p.Phe242Tyr)

Gene: BMPR1B (bone morphogenetic protein receptor type 1B; plus strand). Cytogenetic location: 4q22.3.
Variant type: single nucleotide variant.
Coding change: c.725T>A on transcript NM_001203.3 (MANE Select); coding-DNA position 725, T replaced by A.
Protein change: p.Phe242Tyr; replaces phenylalanine 242 with tyrosine.
Molecular consequence: missense variant.
Genome position (GRCh38, 1-based): chr4:95,130,001, T>A. VCF-style: chr4-95130001-T-A. GRCh37 (hg19) VCF-style: chr4-96051152-T-A.
Other names: c.725T>A, p.Phe242Tyr (NM_001256792.2, NM_001256794.1); c.815T>A, p.Phe272Tyr (NM_001256793.2); short protein forms F242Y, F272Y.
Identifiers: ClinVar variation 2939663 (VCV002939663.3), dbSNP rs754133041, ClinGen allele CA357681524.